The following is an entry in ClinVar:

NM_016203.4(PRKAG2):c.286A>G (p.Lys96Glu)

Gene: PRKAG2 (protein kinase AMP-activated non-catalytic subunit gamma 2; minus strand). Cytogenetic location: 7q36.1.
Variant type: single nucleotide variant.
Coding change: c.286A>G on transcript NM_016203.4 (MANE Select); coding-DNA position 286, A replaced by G.
Protein change: p.Lys96Glu; replaces lysine 96 with glutamic acid.
Molecular consequence: missense variant. On other transcripts: intron variant (1).
Genome position (GRCh38, 1-based): chr7:151,781,332, T>C on the plus strand (A>G on the coding strand, the complement: PRKAG2 is on the minus strand). VCF-style: chr7-151781332-T-C. GRCh37 (hg19) VCF-style: chr7-151478418-T-C.
Other names: c.154A>G, p.Lys52Glu (NM_001040633.2, NM_001407024.1, NM_001407026.1 and 2 more transcripts); c.286A>G, p.Lys96Glu (NM_001407021.1, NM_001407022.1, NM_001407023.1 and 2 more transcripts); c.148+33084A>G (NM_001407032.1); short protein forms K96E, K52E.
Identifiers: ClinVar variation 3783287 (VCV003783287.1).

ClinVar aggregate classification (germline): Uncertain significance (1 of 4 stars; one submission).

Conditions:
Cardiovascular phenotype. Identifiers: MedGen CN230736.

Submission:

Ambry Genetics
Classification: Uncertain significance for Cardiovascular phenotype. Last evaluated: 2024-12-17. Review status: criteria provided, single submitter. Criteria: Ambry Variant Classification Scheme 2023. Collection method: clinical testing. Allele origin: germline.
Comment: The p.K96E variant (also known as c.286A>G), located in coding exon 3 of the PRKAG2 gene, results from an A to G substitution at nucleotide position 286. The lysine at codon 96 is replaced by glutamic acid, an amino acid with similar properties. This amino acid position is conserved. In addition, the in silico prediction for this alteration is inconclusive. Based on the available evidence, the clinical significance of this variant remains unclear.